The following is an entry in ClinVar:

ClinVar aggregate classification (germline): Benign (1 of 4 stars; one submission).

Conditions:
Thyroid hormone resistance, generalized, autosomal dominant (GRTHD). Also called: HYPERTHYROXINEMIA, FAMILIAL EUTHYROID, SECONDARY TO PITUITARY AND PERIPHERAL RESISTANCE TO THYROID HORMONES. Identifiers: MedGen C2937288, MONDO:0008569, OMIM 188570.

Allele frequency attached by ClinVar (database versions not stated): 1000 Genomes Project 0.00300; 1000 Genomes Project 30x 0.00328; gnomAD 0.00332 and 0.00360; TOPMed 0.00425.

Submission:

Illumina Laboratory Services, Illumina
Classification: Benign for Thyroid hormone resistance, generalized, autosomal dominant. Last evaluated: 2018-01-12. Review status: criteria provided, single submitter. Criteria: ICSL Variant Classification Criteria 13 December 2019. Collection method: clinical testing. Allele origin: germline.
Comment: This variant was observed in the ICSL laboratory as part of a predisposition screen in an ostensibly healthy population. It had not been previously curated by ICSL or reported in the Human Gene Mutation Database (HGMD: prior to June 1st, 2018), and was therefore a candidate for classification through an automated scoring system. Utilizing variant allele frequency, disease prevalence and penetrance estimates, and inheritance mode, an automated score was calculated to assess if this variant is too frequent to cause the disease. Based on the score and internal cut-off values, a variant classified as benign is not then subjected to further curation. The score for this variant resulted in a classification of benign for this disease.

NM_001354712.2(THRB):c.*2616T>G

Gene: THRB (thyroid hormone receptor beta; minus strand). Cytogenetic location: 3p24.2.
Variant type: single nucleotide variant.
Coding change: c.*2616T>G on transcript NM_001354712.2 (MANE Select); 2616 bases downstream of the stop codon, T replaced by G.
Molecular consequence: 3 prime UTR variant.
Genome position (GRCh38, 1-based): chr3:24,120,268, A>C on the plus strand (T>G on the coding strand, the complement: THRB is on the minus strand). VCF-style: chr3-24120268-A-C. GRCh37 (hg19) VCF-style: chr3-24161759-A-C.
Other names: c.*2616T>G (NM_000461.5, NM_001128176.3, NM_001128177.2 and 8 more transcripts).
Identifiers: ClinVar variation 344589 (VCV000344589.5), dbSNP rs150170704, ClinGen allele CA10616038.